The following is an entry in ClinVar:

ClinVar aggregate classification (germline): Uncertain significance. Review status: criteria provided, multiple submitters, no conflicts (2 of 4 stars). 2 submissions from 2 submitters: Uncertain significance (2). Last evaluated 2024-01-15.

Conditions:
Multiple congenital anomalies-hypotonia-seizures syndrome 1 (MCAHS1). Also called: GLYCOSYLPHOSPHATIDYLINOSITOL BIOSYNTHESIS DEFECT 3; PIGN-CDG; Congenital disorder of glycosylation due to PIGN deficiency. Identifiers: Orphanet 280633, MedGen C3279775, MONDO:0013563, OMIM 614080.

Submissions (2):

Labcorp Genetics (formerly Invitae), Labcorp
Classification: Uncertain significance for Multiple congenital anomalies-hypotonia-seizures syndrome 1. Last evaluated: 2024-01-15. Review status: criteria provided, single submitter. Criteria: Invitae Variant Classification Sherloc (09022015). Collection method: clinical testing. Allele origin: germline.
Comment: This sequence change replaces methionine, which is neutral and non-polar, with lysine, which is basic and polar, at codon 621 of the PIGN protein (p.Met621Lys). This variant is not present in population databases (gnomAD no frequency). This variant has not been reported in the literature in individuals affected with PIGN-related conditions. ClinVar contains an entry for this variant (Variation ID: 1933333). An algorithm developed to predict the effect of missense changes on protein structure and function (PolyPhen-2) suggests that this variant is likely to be tolerated. In summary, the available evidence is currently insufficient to determine the role of this variant in disease. Therefore, it has been classified as a Variant of Uncertain Significance.

GeneDx
Classification: Uncertain significance. Last evaluated: 2022-11-17. Review status: criteria provided, single submitter. Criteria: GeneDx Variant Classification Process June 2021. Collection method: clinical testing. Allele origin: germline. Affected: yes.
Comment: Not observed at significant frequency in large population cohorts (gnomAD); In silico analysis supports that this missense variant does not alter protein structure/function; Has not been previously published as pathogenic or benign to our knowledge

NM_176787.5(PIGN):c.1862T>A (p.Met621Lys)

Gene: PIGN (phosphatidylinositol glycan anchor biosynthesis class N; minus strand). Cytogenetic location: 18q21.33.
Variant type: single nucleotide variant.
Coding change: c.1862T>A on transcript NM_176787.5 (MANE Select); coding-DNA position 1862, T replaced by A.
Protein change: p.Met621Lys; replaces methionine 621 with lysine.
Molecular consequence: missense variant.
Genome position (GRCh38, 1-based): chr18:62,102,900, A>T on the plus strand (T>A on the coding strand, the complement: PIGN is on the minus strand). VCF-style: chr18-62102900-A-T. GRCh37 (hg19) VCF-style: chr18-59770133-A-T.
Other names: c.1862T>A (NM_176787.4); c.1862T>A, p.Met621Lys (NM_012327.6); short protein forms M621K.
Identifiers: ClinVar variation 1933333 (VCV001933333.6), dbSNP rs2512860197, ClinGen allele CA402604168.